The following is an entry in ClinVar:

NM_000455.5(STK11):c.1128G>T (p.Glu376Asp)

Gene: STK11 (serine/threonine kinase 11; plus strand). Cytogenetic location: 19p13.3.
Variant type: single nucleotide variant.
Coding change: c.1128G>T on transcript NM_000455.5 (MANE Select); coding-DNA position 1128, G replaced by T.
Protein change: p.Glu376Asp; replaces glutamic acid 376 with aspartic acid.
Molecular consequence: missense variant.
Genome position (GRCh38, 1-based): chr19:1,226,473, G>T. VCF-style: chr19-1226473-G-T. GRCh37 (hg19) VCF-style: chr19-1226472-G-T.
Other names: short protein forms E376D.
Identifiers: ClinVar variation 584984 (VCV000584984.7), dbSNP rs747018506, ClinGen allele CA402953228.

ClinVar aggregate classification (germline): Uncertain significance. Review status: criteria provided, multiple submitters, no conflicts (2 of 4 stars). 3 submissions from 3 submitters: Uncertain significance (3). Last evaluated 2023-12-13.

Conditions:
Peutz-Jeghers syndrome (PJS). Also called: POLYPOSIS, HAMARTOMATOUS INTESTINAL; POLYPS-AND-SPOTS SYNDROME; Peutz-Jeghers polyposis; Periorificial lentiginosis syndrome. Identifiers: Orphanet 2869, MedGen C0031269, MeSH D010580, MONDO:0008280, OMIM 175200.

Submissions (3):

All of Us Research Program, National Institutes of Health
Classification: Uncertain significance for Peutz-Jeghers syndrome. Last evaluated: 2023-12-13. Review status: criteria provided, single submitter. Criteria: ACMG Guidelines, 2015. Collection method: clinical testing. Allele origin: germline. Inheritance: Autosomal dominant inheritance. Observed: 1 variant allele, 1 heterozygote.
Comment: This missense variant replaces glutamic acid with aspartic acid at codon 376 of the STK11 protein. Computational prediction suggests that this variant may not impact protein structure and function (internally defined REVEL score threshold <= 0.5, PMID: 27666373). To our knowledge, functional studies have not been reported for this variant. This variant has not been reported in individuals affected with STK11-related disorders in the literature. This variant has not been identified in the general population by the Genome Aggregation Database (gnomAD). The available evidence is insufficient to determine the role of this variant in disease conclusively. Therefore, this variant is classified as a Variant of Uncertain Significance.

This study involves interpretation of variants in research participants for the purpose of population health screening. Participant phenotype was not available at the time of variant classification. Additional details can be found in publication PMID: 35346344, PMCID: PMC8962531

Labcorp Genetics (formerly Invitae), Labcorp
Classification: Uncertain significance for Peutz-Jeghers syndrome. Last evaluated: 2022-04-18. Review status: criteria provided, single submitter. Criteria: Invitae Variant Classification Sherloc (09022015). Collection method: clinical testing. Allele origin: germline.
Comment: In summary, the available evidence is currently insufficient to determine the role of this variant in disease. Therefore, it has been classified as a Variant of Uncertain Significance. Advanced modeling of protein sequence and biophysical properties (such as structural, functional, and spatial information, amino acid conservation, physicochemical variation, residue mobility, and thermodynamic stability) performed at Invitae indicates that this missense variant is not expected to disrupt STK11 protein function. ClinVar contains an entry for this variant (Variation ID: 584984). This variant has not been reported in the literature in individuals affected with STK11-related conditions. This variant is not present in population databases (gnomAD no frequency). This sequence change replaces glutamic acid, which is acidic and polar, with aspartic acid, which is acidic and polar, at codon 376 of the STK11 protein (p.Glu376Asp).

Mendelics
Classification: Uncertain significance for Peutz-Jeghers syndrome. Last evaluated: 2018-07-02. Review status: criteria provided, single submitter. Criteria: Mendelics Assertion Criteria 2017. Collection method: clinical testing. Allele origin: unknown.